The following is an entry in ClinVar:

ClinVar aggregate classification (germline): Uncertain significance. Review status: criteria provided, multiple submitters, no conflicts (2 of 4 stars). 2 submissions from 2 submitters: Uncertain significance (2). Last evaluated 2024-09-10.

Conditions:
Hereditary cancer-predisposing syndrome. Also called: Tumor predisposition; Neoplastic Syndromes, Hereditary; Hereditary Cancer Syndrome; Hereditary neoplastic syndrome. Identifiers: Orphanet 140162, MedGen C0027672, MeSH D009386, MONDO:0015356.
Tuberous sclerosis 2 (TSC2). Identifiers: Orphanet 805, MedGen C1860707, MONDO:0013199, OMIM 613254.

Submissions (2):

Labcorp Genetics (formerly Invitae), Labcorp
Classification: Uncertain significance for Tuberous sclerosis 2. Last evaluated: 2024-09-10. Review status: criteria provided, single submitter. Criteria: Invitae Variant Classification Sherloc (09022015). Collection method: clinical testing. Allele origin: germline.
Comment: This sequence change replaces glutamine, which is neutral and polar, with arginine, which is basic and polar, at codon 1342 of the TSC2 protein (p.Gln1342Arg). This variant is not present in population databases (gnomAD no frequency). This variant has not been reported in the literature in individuals affected with TSC2-related conditions. ClinVar contains an entry for this variant (Variation ID: 406054). Invitae Evidence Modeling of protein sequence and biophysical properties (such as structural, functional, and spatial information, amino acid conservation, physicochemical variation, residue mobility, and thermodynamic stability) indicates that this missense variant is not expected to disrupt TSC2 protein function with a negative predictive value of 95%. In summary, the available evidence is currently insufficient to determine the role of this variant in disease. Therefore, it has been classified as a Variant of Uncertain Significance.

Ambry Genetics
Classification: Uncertain significance for Hereditary cancer-predisposing syndrome. Last evaluated: 2024-09-04. Review status: criteria provided, single submitter. Criteria: Ambry Variant Classification Scheme 2023. Collection method: clinical testing. Allele origin: germline.
Comment: The p.Q1342R variant (also known as c.4025A>G), located in coding exon 33 of the TSC2 gene, results from an A to G substitution at nucleotide position 4025. The glutamine at codon 1342 is replaced by arginine, an amino acid with highly similar properties. This amino acid position is highly conserved in available vertebrate species. In addition, this alteration is predicted to be deleterious by in silico analysis. Based on the available evidence, the clinical significance of this variant remains unclear.

NM_000548.5(TSC2):c.4025A>G (p.Gln1342Arg)

Gene: TSC2 (TSC complex subunit 2; plus strand). Cytogenetic location: 16p13.3.
Variant type: single nucleotide variant.
Coding change: c.4025A>G on transcript NM_000548.5 (MANE Select); coding-DNA position 4025, A replaced by G.
Protein change: p.Gln1342Arg; replaces glutamine 1342 with arginine.
Molecular consequence: missense variant.
Genome position (GRCh38, 1-based): chr16:2,084,247, A>G. VCF-style: chr16-2084247-A-G. GRCh37 (hg19) VCF-style: chr16-2134248-A-G.
Other names: c.3824A>G, p.Gln1275Arg (NM_001077183.3); c.3956A>G, p.Gln1319Arg (NM_001114382.3); c.3716A>G, p.Gln1239Arg (NM_001318827.2); c.3680A>G, p.Gln1227Arg (NM_001318829.2); c.3293A>G, p.Gln1098Arg (NM_001318831.2); c.3857A>G, p.Gln1286Arg (NM_001318832.2); c.3827A>G, p.Gln1276Arg (NM_001363528.2); c.3893A>G, p.Gln1298Arg (NM_001370404.1); and 1 more; short protein forms Q1342R, Q1239R, Q1298R, Q1098R, Q1227R, Q1319R, Q1275R, Q1286R.
Identifiers: ClinVar variation 406054 (VCV000406054.9), dbSNP rs1060500951, ClinGen allele CA16615150.
Genomic context (GRCh38, chr16:2,084,247, plus strand): 5'-TGCCTGCTGACAGGGGTTCTCTTTGGGATGGTCCTTTCTAGTCGTCCTCAGTCTCCAGCC[A>G]GGAGGAGAAGTCGCTCCACGCGGAGGAGCTGGTTGGCAGGGGCATCCCCATCGAGCGAGT-3'
Protein context (NP_000539.2, residues 1332-1352): AYSRSSSVSS[Gln1342Arg]EEKSLHAEEL